The following is an entry in ClinVar:

NM_005585.5(SMAD6):c.1022C>G (p.Thr341Arg)

Gene: SMAD6 (SMAD family member 6; plus strand). Cytogenetic location: 15q22.31.
Variant type: single nucleotide variant.
Coding change: c.1022C>G on transcript NM_005585.5 (MANE Select); coding-DNA position 1022, C replaced by G.
Protein change: p.Thr341Arg; replaces threonine 341 with arginine.
Molecular consequence: missense variant. On other transcripts: non-coding transcript variant (1).
Genome position (GRCh38, 1-based): chr15:66,781,066, C>G. VCF-style: chr15-66781066-C-G. GRCh37 (hg19) VCF-style: chr15-67073404-C-G.
Other names: short protein forms T341R.
Identifiers: ClinVar variation 2453900 (VCV002453900.2), dbSNP rs151259317, ClinGen allele CA393201698.

ClinVar aggregate classification (germline): Uncertain significance (1 of 4 stars; one submission).

Conditions:
Inborn genetic diseases. Identifiers: MedGen C0950123, MeSH D030342.

gnomAD v4.1: 1 of 1,604,142 alleles (0.000062%); no homozygotes.

Submission:

Ambry Genetics
Classification: Uncertain significance for Inborn genetic diseases. Last evaluated: 2022-12-04. Review status: criteria provided, single submitter. Criteria: Ambry Variant Classification Scheme 2023. Collection method: clinical testing. Allele origin: germline.
Comment: The p.T341R variant (also known as c.1022C>G), located in coding exon 4 of the SMAD6 gene, results from a C to G substitution at nucleotide position 1022. The threonine at codon 341 is replaced by arginine, an amino acid with similar properties. This amino acid position is conserved. In addition, this alteration is predicted to be deleterious by in silico analysis. Since supporting evidence is limited at this time, the clinical significance of this alteration remains unclear.